The following is an entry in ClinVar:

ClinVar aggregate classification (germline): Uncertain significance (1 of 4 stars; one submission).

Submission:

Ambry Genetics
Classification: Uncertain significance. Last evaluated: 2026-06-15. Review status: criteria provided, single submitter. Criteria: Ambry Variant Classification Scheme 2023. Collection method: clinical testing. Allele origin: germline.
Comment: The p.V1395A variant (also known as c.4184T>C), located in coding exon 14 of the CDK12 gene, results from a T to C substitution at nucleotide position 4184. The valine at codon 1395 is replaced by alanine, an amino acid with similar properties. This amino acid position is conserved. In addition, this alteration is predicted to be tolerated by in silico analysis. Based on the available evidence, the clinical significance of this variant remains unclear.

NM_016507.4(CDK12):c.4184T>C (p.Val1395Ala)

Gene: CDK12 (cyclin dependent kinase 12; plus strand). Cytogenetic location: 17q12.
Variant type: single nucleotide variant.
Coding change: c.4184T>C on transcript NM_016507.4 (MANE Select); coding-DNA position 4184, T replaced by C.
Protein change: p.Val1395Ala; replaces valine 1395 with alanine.
Molecular consequence: missense variant.
Genome position (GRCh38, 1-based): chr17:39,531,027, T>C. VCF-style: chr17-39531027-T-C. GRCh37 (hg19) VCF-style: chr17-37687280-T-C.
Other names: c.4157T>C, p.Val1386Ala (NM_015083.4); short protein forms V1395A, V1386A.
Identifiers: ClinVar variation 5034048 (VCV005034048.1).